The following is an entry in ClinVar:

NM_018127.7(ELAC2):c.223T>C (p.Tyr75His)

Gene: ELAC2 (elaC ribonuclease Z 2; minus strand). Cytogenetic location: 17p12.
Variant type: single nucleotide variant.
Coding change: c.223T>C on transcript NM_018127.7 (MANE Select); coding-DNA position 223, T replaced by C.
Protein change: p.Tyr75His; replaces tyrosine 75 with histidine.
Molecular consequence: missense variant.
Genome position (GRCh38, 1-based): chr17:13,017,725, A>G on the plus strand (T>C on the coding strand, the complement: ELAC2 is on the minus strand). VCF-style: chr17-13017725-A-G. GRCh37 (hg19) VCF-style: chr17-12921042-A-G.
Other names: c.223T>C, p.Tyr75His (NM_001165962.2, NM_173717.2); c.223T>C (NM_018127.6); short protein forms Y75H.
Identifiers: ClinVar variation 1965139 (VCV001965139.4), dbSNP rs1451041014, ClinGen allele CA398218923.

ClinVar aggregate classification (germline): Uncertain significance. Review status: criteria provided, multiple submitters, no conflicts (2 of 4 stars). 2 submissions from 2 submitters: Uncertain significance (2). Last evaluated 2025-11-26.

Conditions:
Inborn genetic diseases. Identifiers: MedGen C0950123, MeSH D030342.
Combined oxidative phosphorylation defect type 17. Also called: Combined oxidative phosphorylation deficiency 17. Identifiers: Orphanet 369913, MedGen C3809526, MONDO:0014190, OMIM 615440.

Allele frequency attached by ClinVar (database versions not stated): gnomAD 0.00002; TOPMed 0.00002.
gnomAD v4.1: 7 of 1,612,806 alleles (0.00043%); highest among the groups gnomAD compares: African/African-American, 0.008%; no homozygotes.

Submissions (2):

Ambry Genetics
Classification: Uncertain significance for Inborn genetic diseases. Last evaluated: 2025-11-26. Review status: criteria provided, single submitter. Criteria: Ambry Variant Classification Scheme 2023. Collection method: clinical testing. Allele origin: germline.

Labcorp Genetics (formerly Invitae), Labcorp
Classification: Uncertain significance for Combined oxidative phosphorylation defect type 17. Last evaluated: 2022-06-22. Review status: criteria provided, single submitter. Criteria: Invitae Variant Classification Sherloc (09022015). Collection method: clinical testing. Allele origin: germline.
Comment: In summary, the available evidence is currently insufficient to determine the role of this variant in disease. Therefore, it has been classified as a Variant of Uncertain Significance. Algorithms developed to predict the effect of missense changes on protein structure and function are either unavailable or do not agree on the potential impact of this missense change (SIFT: "Deleterious"; PolyPhen-2: "Probably Damaging"; Align-GVGD: "Class C0"). This variant has not been reported in the literature in individuals affected with ELAC2-related conditions. This variant is present in population databases (no rsID available, gnomAD 0.02%). This sequence change replaces tyrosine, which is neutral and polar, with histidine, which is basic and polar, at codon 75 of the ELAC2 protein (p.Tyr75His).